The following is an entry in ClinVar:

NM_000642.3(AGL):c.4271A>T (p.Tyr1424Phe)

Gene: AGL (amylo-alpha-1,6-glucosidase and 4-alpha-glucanotransferase; plus strand). Cytogenetic location: 1p21.2.
Variant type: single nucleotide variant.
Coding change: c.4271A>T on transcript NM_000642.3 (MANE Select); coding-DNA position 4271, A replaced by T.
Protein change: p.Tyr1424Phe; replaces tyrosine 1424 with phenylalanine.
Molecular consequence: missense variant.
Genome position (GRCh38, 1-based): chr1:99,916,421, A>T. VCF-style: chr1-99916421-A-T. GRCh37 (hg19) VCF-style: chr1-100381977-A-T.
Other names: c.4271A>T, p.Tyr1424Phe (NM_000028.3, NM_000643.3, NM_000644.3 and 1 more transcripts); c.4223A>T, p.Tyr1408Phe (NM_000646.3); c.4250A>T, p.Tyr1417Phe (NM_001425326.1); c.4070A>T, p.Tyr1357Phe (NM_001425327.1); c.4067A>T, p.Tyr1356Phe (NM_001425328.1); c.3932A>T, p.Tyr1311Phe (NM_001425329.1); c.3893A>T, p.Tyr1298Phe (NM_001425332.1); short protein forms Y1424F, Y1408F, Y1298F, Y1311F, Y1356F, Y1357F, Y1417F.
Identifiers: ClinVar variation 848954 (VCV000848954.8), dbSNP rs779560460, ClinGen allele CA967385.

ClinVar aggregate classification (germline): Uncertain significance. Review status: criteria provided, multiple submitters, no conflicts (2 of 4 stars). 3 submissions from 3 submitters: Uncertain significance (2). 1 of the submissions does not count toward it. Last evaluated 2024-10-10.

Conditions:
Glycogen storage disease type III (GSD3). Also called: FORBES DISEASE; Cori disease. Identifiers: Orphanet 366, MedGen C0017922, MONDO:0009291, OMIM 232400.

Allele frequency attached by ClinVar (database versions not stated): TOPMed 0.00006; gnomAD 0.00007.
gnomAD v4.1: 200 of 1,609,610 alleles (0.012%); highest among the groups gnomAD compares: Non-Finnish European, 0.016%; no homozygotes.

Submissions (3):

Blueprint Genetics
Classification: Uncertain significance. Last evaluated: 2024-10-10. Review status: criteria provided, single submitter. Criteria: ACMG Guidelines, 2015. Collection method: clinical testing. Allele origin: germline.

Labcorp Genetics (formerly Invitae), Labcorp
Classification: Uncertain significance for Glycogen storage disease type III. Last evaluated: 2022-10-25. Review status: criteria provided, single submitter. Criteria: Invitae Variant Classification Sherloc (09022015). Collection method: clinical testing. Allele origin: germline.
Comment: This sequence change replaces tyrosine, which is neutral and polar, with phenylalanine, which is neutral and non-polar, at codon 1424 of the AGL protein (p.Tyr1424Phe). This variant is present in population databases (rs779560460, gnomAD 0.01%). This variant has not been reported in the literature in individuals affected with AGL-related conditions. ClinVar contains an entry for this variant (Variation ID: 848954). Advanced modeling of protein sequence and biophysical properties (such as structural, functional, and spatial information, amino acid conservation, physicochemical variation, residue mobility, and thermodynamic stability) has been performed at Invitae for this missense variant, however the output from this modeling did not meet the statistical confidence thresholds required to predict the impact of this variant on AGL protein function. In summary, the available evidence is currently insufficient to determine the role of this variant in disease. Therefore, it has been classified as a Variant of Uncertain Significance.

Natera, Inc.
Classification: Uncertain significance for Glycogen storage disease type III. Last evaluated: 2020-03-15. Review status: no assertion criteria provided. Collection method: clinical testing. Allele origin: germline. Not counted in ClinVar's aggregate classification.